The following is an entry in ClinVar:

ClinVar aggregate classification (germline): Benign/Likely benign. Review status: criteria provided, multiple submitters, no conflicts (2 of 4 stars). 4 submissions from 4 submitters: Benign (1); Likely benign (3). Last evaluated 2025-07-15.

Submissions (4):

Mayo Clinic Laboratories, Mayo Clinic
Classification: Likely benign. Last evaluated: 2025-07-15. Review status: criteria provided, single submitter. Criteria: ACMG Guidelines, 2015. Collection method: clinical testing. Allele origin: germline. Observed: 72 variant alleles.
Comment: BS1, BP4, BP7

Laboratory of Genetics, Children's Clinical University Hospital Latvia
Classification: Likely benign. Last evaluated: 2025-02-16. Review status: criteria provided, single submitter. Criteria: ACMG Guidelines, 2015. Collection method: clinical testing. Allele origin: germline. Affected: yes.

Blueprint Genetics
Classification: Likely benign. Last evaluated: 2024-11-28. Review status: criteria provided, single submitter. Criteria: ACMG Guidelines, 2015. Collection method: clinical testing. Allele origin: germline.

Labcorp Genetics (formerly Invitae), Labcorp
Classification: Benign. Last evaluated: 2019-11-06. Review status: criteria provided, single submitter. Criteria: Invitae Variant Classification Sherloc (09022015). Collection method: clinical testing. Allele origin: germline.

NM_018896.5(CACNA1G):c.354+5GT[14]

Gene: CACNA1G (calcium voltage-gated channel subunit alpha1 G; plus strand). Cytogenetic location: 17q21.33.
Variant type: Microsatellite.
Coding change: c.354+5GT[14] on transcript NM_018896.5 (MANE Select); 14 copies in a row of the 2-base unit GT starting at c.354+5; the reference has 15 copies in a row; one copy, 2 bases deleted.
Molecular consequence: intron variant.
Genome position (GRCh38, 1-based): chr17:50,569,014-50,569,015, GT deleted; deleting any 2 consecutive bases within chr17:50,568,986-50,569,015 gives the same sequence; the position shown is the placement nearest the transcript's 3' end. VCF-style (leftmost placement, unchanged base first): chr17-50568985-AGT-A. GRCh37 (hg19) VCF-style: chr17-48646346-AGT-A.
Other names: p.?; c.354+33_354+34del (NM_018896.4, NM_018896.5); c.354+5GT[14] (NM_001256325.2, NM_198377.3, NM_198380.3 and 24 more transcripts).
Identifiers: ClinVar variation 768899 (VCV000768899.7), dbSNP rs3833150, ClinGen allele CA291589439.